The following is an entry in ClinVar:

ClinVar aggregate classification (germline): Conflicting classifications of pathogenicity. Review status: criteria provided, conflicting classifications (1 of 4 stars). 5 submissions from 5 submitters: Uncertain significance (1); Likely benign (3). 1 of the submissions does not count toward it. Last evaluated 2025-09-05.

Conditions:
STARD9-related disorder. Also called: STARD9-related condition.

Allele frequency attached by ClinVar (database versions not stated): 1000 Genomes Project 0.00040; ExAC 0.00107; gnomAD exomes 0.00111 and 0.00266; 1000 Genomes Project 30x 0.00125; TOPMed 0.00146; gnomAD 0.00171 and 0.00178.
gnomAD v4.1: 3,902 of 1,537,216 alleles (0.25%); highest among the groups gnomAD compares: Non-Finnish European, 0.32%; 7 homozygotes.

Submissions (5):

Ambry Genetics
Classification: Uncertain significance. Last evaluated: 2025-09-05. Review status: criteria provided, single submitter. Criteria: Ambry Variant Classification Scheme 2023. Collection method: clinical testing. Allele origin: germline.

CeGaT Center for Human Genetics Tuebingen
Classification: Likely benign. Last evaluated: 2024-08-01. Review status: criteria provided, single submitter. Criteria: CeGaT Center For Human Genetics Tuebingen Variant Classification Criteria Version 2. Collection method: clinical testing. Allele origin: germline. Affected: yes. Observed: 1 variant allele.
Comment: STARD9: BP4, BS2

Labcorp Genetics (formerly Invitae), Labcorp
Classification: Likely benign. Last evaluated: 2019-12-31. Review status: criteria provided, single submitter. Criteria: Invitae Variant Classification Sherloc (09022015). Collection method: clinical testing. Allele origin: germline.

Breakthrough Genomics
Classification: Likely benign. Review status: criteria provided, single submitter. Criteria: ACMG Guidelines, 2015. Collection method: not provided. Allele origin: germline. Inheritance: Unknown mechanism. Affected: yes.

PreventionGenetics, part of Exact Sciences
Classification: Likely benign for STARD9-related condition. Last evaluated: 2023-02-21. Review status: no assertion criteria provided. Collection method: clinical testing. Allele origin: germline. Not counted in ClinVar's aggregate classification.
Comment: This variant is classified as likely benign based on ACMG/AMP sequence variant interpretation guidelines (Richards et al. 2015 PMID: 25741868, with internal and published modifications).

NM_020759.3(STARD9):c.12097C>T (p.Pro4033Ser)

Gene: STARD9 (StAR related lipid transfer domain containing 9; plus strand). Cytogenetic location: 15q15.2.
Variant type: single nucleotide variant.
Coding change: c.12097C>T on transcript NM_020759.3 (MANE Select); coding-DNA position 12097, C replaced by T.
Protein change: p.Pro4033Ser; replaces proline 4033 with serine.
Molecular consequence: missense variant.
Genome position (GRCh38, 1-based): chr15:42,693,675, C>T. VCF-style: chr15-42693675-C-T. GRCh37 (hg19) VCF-style: chr15-42985873-C-T.
Other names: short protein forms P4033S.
Identifiers: ClinVar variation 770244 (VCV000770244.26), dbSNP rs61732534, ClinGen allele CA7514863.